The following is an entry in ClinVar:

ClinVar aggregate classification (germline): Uncertain significance. Review status: criteria provided, multiple submitters, no conflicts (2 of 4 stars). 2 submissions from 2 submitters: Uncertain significance (2). Last evaluated 2026-06-30.

Conditions:
Hereditary cancer-predisposing syndrome. Also called: Hereditary Cancer Syndrome; Hereditary neoplastic syndrome; Neoplastic Syndromes, Hereditary; Tumor predisposition. Identifiers: Orphanet 140162, MedGen C0027672, MeSH D009386, MONDO:0015356.
Hereditary breast ovarian cancer syndrome. Also called: Hereditary breast and ovarian cancer syndrome; Hereditary breast and ovarian cancer syndrome (HBOC); Breast and ovarian cancer; Hereditary breast and/or ovarian cancer syndrome; Hereditary breast and ovarian cancer; BRCA1- and BRCA2-Associated Hereditary Breast and Ovarian Cancer. Identifiers: Orphanet 145, MedGen C0677776, MeSH D061325, MONDO:0003582. Disease mechanism: loss of function.

Submissions (2):

Ambry Genetics
Classification: Uncertain significance for Hereditary cancer-predisposing syndrome. Last evaluated: 2026-06-30. Review status: criteria provided, single submitter. Criteria: Ambry Variant Classification Scheme 2023. Collection method: clinical testing. Allele origin: germline.
Comment: The c.548-1G>A intronic variant results from a G to A substitution one nucleotide upstream from coding exon 7 of the BRCA1 gene. In BRCA1, several naturally occurring in-frame minor isoforms have been reported. Alterations in consensus splice sites that are skipped in these naturally occurring in-frame minor isoforms have an uncertain impact on pathogenicity. The c.548-1G intronic splice site is one such nucleotide, located in an intron(6)/exon(7) boundary that is skipped in one (BRCA1 delta 9-10, also known as CDS7_8del) of the reported in-frame minor isoforms. The BRCA1 delta 9-10 in-frame isoform is one amongst the predominantly expressed minor isoforms in healthy individuals (Colombo M et al. Hum Mol Genet. 2014; 23:3666-80). This nucleotide position is highly conserved in available vertebrate species. In silico splice site analysis predicts that this alteration will weaken the native splice acceptor site and may result in the creation or strengthening of a novel splice acceptor site. Based on the available evidence, the clinical significance of this variant remains unclear.

Labcorp Genetics (formerly Invitae), Labcorp
Classification: Uncertain significance for Hereditary breast ovarian cancer syndrome. Last evaluated: 2024-05-31. Review status: criteria provided, single submitter. Criteria: Invitae Variant Classification Sherloc (09022015). Collection method: clinical testing. Allele origin: germline.
Comment: Loss-of-function variants in BRCA1 are expected to be pathogenic (PMID: 20104584). However, an in-frame BRCA1 isoform lacking exons 8 and 9 (also known as exons 9 and 10) is highly expressed in blood from unaffected individuals and in normal breast tissue; this isoform may retain protein function and could functionally rescue loss-of-function variants within exons 8-9 (PMID: 24569164). It is expected to disrupt RNA splicing. Variants that disrupt the donor or acceptor splice site typically lead to a loss of protein function (PMID: 16199547), and loss-of-function variants in BRCA1 are known to be pathogenic (PMID: 20104584). This variant is not present in population databases (gnomAD no frequency). This variant has not been reported in the literature in individuals affected with BRCA1-related conditions. Studies have shown disruption of this splice site is associated with skipping of exon 8 and 9, but one or more of the resulting mRNA isoform(s) may be naturally occurring (Invitae). In summary, the available evidence is currently insufficient to determine the role of this variant in disease. Therefore, it has been classified as a Variant of Uncertain Significance.

Literature cited by the submitters: PubMed 20104584 (cited by Labcorp Genetics (formerly Invitae), Labcorp); PubMed 24569164 (cited by Labcorp Genetics (formerly Invitae), Labcorp); PubMed 16199547 (cited by Labcorp Genetics (formerly Invitae), Labcorp).

NM_007294.4(BRCA1):c.548-1G>A

Gene: BRCA1 (BRCA1 DNA repair associated; minus strand). Cytogenetic location: 17q21.31.
Variant type: single nucleotide variant.
Coding change: c.548-1G>A on transcript NM_007294.4 (MANE Select); the canonical splice acceptor site of the intron before coding-DNA position 548, G replaced by A.
Molecular consequence: splice acceptor variant. On other transcripts: intron variant (115).
Genome position (GRCh38, 1-based): chr17:43,097,290, C>T on the plus strand (G>A on the coding strand, the complement: BRCA1 is on the minus strand). VCF-style: chr17-43097290-C-T. GRCh37 (hg19) VCF-style: chr17-41249307-C-T.
Other names: c.407-1G>A (NM_001408458.1, NM_001408469.1, NM_001408453.1 and 43 more transcripts); c.-218-2430G>A (NM_001407967.1, NM_001407966.1); c.167-1G>A (NM_001407959.1, NM_001408510.1, NM_001407963.1 and 1 more transcripts); c.404-2430G>A (NM_001407931.1, NM_001407932.1, NM_001407936.1 and 5 more transcripts); c.404-1G>A (NM_001407747.1, NM_001408470.1, NM_001407848.1 and 26 more transcripts); c.164-1G>A (NM_001407962.1); c.167-2430G>A (NM_001408512.1, NM_001407965.1); c.338-1G>A (NM_001407885.1, NM_001407886.1, NM_001407881.1 and 27 more transcripts); and 17 more.
Identifiers: ClinVar variation 2778487 (VCV002778487.4), dbSNP rs2154521767, ClinGen allele CA10601033.